The following is an entry in ClinVar:

NM_001145118.2(GRID2IP):c.1449G>A (p.Leu483=)

Gene: GRID2IP (Grid2 interacting protein; minus strand). Cytogenetic location: 7p22.1.
Variant type: single nucleotide variant.
Coding change: c.1449G>A on transcript NM_001145118.2 (MANE Select); coding-DNA position 1449, G replaced by A.
Protein change: p.Leu483=; no amino-acid change (leucine 483 retained).
Molecular consequence: synonymous variant.
Genome position (GRCh38, 1-based): chr7:6,511,014, C>T on the plus strand (G>A on the coding strand, the complement: GRID2IP is on the minus strand). VCF-style: chr7-6511014-C-T. GRCh37 (hg19) VCF-style: chr7-6550645-C-T.
Other names: c.876G>A, p.Leu292= (NM_001388403.1); c.900G>A, p.Leu300= (NM_001394781.1).
Identifiers: ClinVar variation 2657304 (VCV002657304.24), dbSNP rs2534263984, ClinGen allele CA453655156.

ClinVar aggregate classification (germline): Likely benign (1 of 4 stars; one submission).

Submission:

CeGaT Center for Human Genetics Tuebingen
Classification: Likely benign. Last evaluated: 2022-07-01. Review status: criteria provided, single submitter. Criteria: CeGaT Center For Human Genetics Tuebingen Variant Classification Criteria Version 2. Collection method: clinical testing. Allele origin: germline. Affected: yes. Observed: 1 variant allele.
Comment: GRID2IP: PM2:Supporting, BP4, BP7